The following is an entry in ClinVar:

NM_006946.4(SPTBN2):c.5811-3dup

Gene: SPTBN2 (spectrin beta, non-erythrocytic 2; minus strand). Cytogenetic location: 11q13.2.
Variant type: Duplication.
Coding change: c.5811-3dup on transcript NM_006946.4 (MANE Select); 3 bases into the intron before coding-DNA position 5811, one base duplicated (C; older notation c.5811-3dupC).
Molecular consequence: intron variant.
Genome position (GRCh38, 1-based): chr11:66,689,946, G duplicated on the plus strand (C on the coding strand, the reverse complement: SPTBN2 is on the minus strand); the first of 6 consecutive G bases (chr11:66,689,946-66,689,951); duplicating any one gives the same sequence. VCF-style (leftmost placement, unchanged base first): chr11-66689945-T-TG. GRCh37 (hg19) VCF-style: chr11-66457416-T-TG.
Other names: c.5832-3dup (NM_001411025.1).
Identifiers: ClinVar variation 2684352 (VCV002684352.1), dbSNP rs1363193608, ClinGen allele CA2574889664.
Genomic context (GRCh38, chr11:66,689,945, plus strand): 5'-CTATCTCTGCCTTGATGCCTTGCTGGTTCTTGATGACTAGATCCGCGGAGGACACATCCC[T>TG]GGGGGGAGGCAGAAACAGCATCACCTGCTGCCCACAGCCCCATCACAGCCCAGCCACACA-3'

ClinVar aggregate classification (germline): Uncertain significance (1 of 4 stars; one submission).

Submission:

Athena Diagnostics
Classification: Uncertain significance. Last evaluated: 2023-05-01. Review status: criteria provided, single submitter. Criteria: Athena Diagnostics Criteria. Collection method: clinical testing. Allele origin: unknown.
Comment: Available data are insufficient to determine the clinical significance of the variant at this time. This variant has not been reported in large, multi-ethnic general populations. Computational tools yielded predictions that this variant is unlikely to have an effect on normal RNA splicing.